The following is an entry in ClinVar:

NM_001004334.4(GPR179):c.5868C>T (p.Ser1956=)

Gene: GPR179 (G protein-coupled receptor 179; minus strand). Cytogenetic location: 17q12.
Variant type: single nucleotide variant.
Coding change: c.5868C>T on transcript NM_001004334.4 (MANE Select); coding-DNA position 5868, C replaced by T.
Protein change: p.Ser1956=; no amino-acid change (serine 1956 retained).
Molecular consequence: synonymous variant.
Genome position (GRCh38, 1-based): chr17:38,327,701, G>A on the plus strand (C>T on the coding strand, the complement: GPR179 is on the minus strand). VCF-style: chr17-38327701-G-A. GRCh37 (hg19) VCF-style: chr17-36483584-G-A.
Identifiers: ClinVar variation 890382 (VCV000890382.37), dbSNP rs202228440, ClinGen allele CA290103270.
Genomic context (GRCh38, chr17:38,327,701, plus strand): 5'-GCGCTGTCTGTCTAGGTGAGAGACGGAATCTGCTGGGGCAGTGGTCTCCCATGGACAGAC[G>A]GATTGTAGCTCATGGCTTGTTTTTTCCCCATCTTCAGTAGTGAATTCTTCTGTGTCTGCA-3'
Protein context (NP_001004334.3, residues 1946-1966): DGEKTSHELQ[Ser1956=]VCPWETTAPA

ClinVar aggregate classification (germline): Conflicting classifications of pathogenicity. Review status: criteria provided, conflicting classifications (1 of 4 stars). 4 submissions from 4 submitters: Uncertain significance (1); Likely benign (3). Last evaluated 2026-01-26.

Conditions:
Congenital stationary night blindness 1E. Also called: Night blindness, congenital stationary (complete), 1E, autosomal recessive. Identifiers: Orphanet 215, MedGen C3281215, MONDO:0013807, OMIM 614565.

Allele frequency attached by ClinVar (database versions not stated): 1000 Genomes Project 30x 0.00031; 1000 Genomes Project 0.00040; ExAC 0.00076; gnomAD 0.00082; gnomAD exomes 0.00084 and 0.00122; TOPMed 0.00089; ESP Exome Variant Server 0.00131.

Submissions (4):

Labcorp Genetics (formerly Invitae), Labcorp
Classification: Likely benign. Last evaluated: 2026-01-26. Review status: criteria provided, single submitter. Criteria: Invitae Variant Classification Sherloc (09022015). Collection method: clinical testing. Allele origin: germline.

Blueprint Genetics
Classification: Likely benign. Last evaluated: 2024-11-28. Review status: criteria provided, single submitter. Criteria: ACMG Guidelines, 2015. Collection method: clinical testing. Allele origin: germline.

CeGaT Center for Human Genetics Tuebingen
Classification: Likely benign. Last evaluated: 2022-07-01. Review status: criteria provided, single submitter. Criteria: CeGaT Center For Human Genetics Tuebingen Variant Classification Criteria Version 2. Collection method: clinical testing. Allele origin: germline. Affected: yes. Observed: 1 variant allele.
Comment: GPR179: BP4, BP7

Illumina Laboratory Services, Illumina
Classification: Uncertain significance for Congenital stationary night blindness 1E. Last evaluated: 2018-01-13. Review status: criteria provided, single submitter. Criteria: ICSL Variant Classification Criteria 13 December 2019. Collection method: clinical testing. Allele origin: germline.